The following is an entry in ClinVar:

ClinVar aggregate classification (germline): Conflicting classifications of pathogenicity. Review status: criteria provided, conflicting classifications (1 of 4 stars). 7 submissions from 7 submitters: Uncertain significance (1); Likely benign (6). Last evaluated 2025-04-16.

Conditions:
Breast-ovarian cancer, familial, susceptibility to, 1 (BROVCA1). Also called: BRCA1 Hereditary Breast and Ovarian Cancer; OVARIAN CANCER, SUSCEPTIBILITY TO. Identifiers: Orphanet 145, MedGen C2676676, MONDO:0011450, OMIM 604370. Disease mechanism: loss of function.
Hereditary breast ovarian cancer syndrome. Also called: Breast and ovarian cancer; Hereditary breast and ovarian cancer; Hereditary breast and ovarian cancer syndrome; Hereditary breast and/or ovarian cancer syndrome; BRCA1- and BRCA2-Associated Hereditary Breast and Ovarian Cancer; Hereditary breast and ovarian cancer syndrome (HBOC). Identifiers: Orphanet 145, MedGen C0677776, MeSH D061325, MONDO:0003582. Disease mechanism: loss of function.
Hereditary cancer-predisposing syndrome. Also called: Tumor predisposition; Hereditary Cancer Syndrome; Neoplastic Syndromes, Hereditary; Hereditary neoplastic syndrome. Identifiers: Orphanet 140162, MedGen C0027672, MeSH D009386, MONDO:0015356.

Allele frequency attached by ClinVar (database versions not stated): gnomAD exomes 0.00001.
gnomAD v4.1: 13 of 1,614,110 alleles (0.00081%); highest among the groups gnomAD compares: Non-Finnish European, 0.001%; no homozygotes.

Submissions (8):

Women's Health and Genetics/Laboratory Corporation of America, LabCorp
Classification: Likely benign. Last evaluated: 2025-04-16. Review status: criteria provided, single submitter. Criteria: LabCorp Variant Classification Summary - May 2015. Collection method: clinical testing. Allele origin: germline.
Comment: Variant summary: BRCA1 c.5407-4C>G alters a non-conserved nucleotide located at a position not widely known to affect splicing. Consensus agreement among computation tools predict no significant impact on normal splicing. However, these predictions have yet to be confirmed by functional studies. The variant was absent in 251444 control chromosomes. The available data on variant occurrences in the general population are insufficient to allow any conclusion about variant significance. To our knowledge, no occurrence of c.5407-4C>G in individuals affected with Hereditary Breast And Ovarian Cancer Syndrome has been reported. At least one functional study reports experimental evidence evaluating an impact on protein function and showed no damaging effect of this variant on homology directed repair (HDR) activity (e.g. Findlay_2018). HDR assays qualify as a recognized gold standard on the basis of updated guidance provided by the ClinGen Sequence Variant Interpretation (SVI) working group. The following publication has been ascertained in the context of this evaluation (PMID: 30209399). ClinVar contains an entry for this variant (Variation ID: 233348). Based on the evidence outlined above, the variant was classified as likely benign.

Labcorp Genetics (formerly Invitae), Labcorp
Classification: Likely benign for Hereditary breast ovarian cancer syndrome. Last evaluated: 2025-02-27. Review status: criteria provided, single submitter. Criteria: Invitae Variant Classification Sherloc (09022015). Collection method: clinical testing. Allele origin: germline.

Sema4
Classification: Likely benign for Hereditary cancer-predisposing syndrome. Last evaluated: 2021-03-22. Review status: criteria provided, single submitter. Criteria: Sema4 Curation Guidelines. Collection method: curation. Allele origin: germline.

Ambry Genetics
Classification: Likely benign for Hereditary cancer-predisposing syndrome. Last evaluated: 2020-03-05. Review status: criteria provided, single submitter. Criteria: Ambry Variant Classification Scheme 2023. Collection method: clinical testing. Allele origin: germline.

GeneDx
Classification: Likely benign. Last evaluated: 2019-04-10. Review status: criteria provided, single submitter. Criteria: GeneDx Variant Classification Process June 2021. Collection method: clinical testing. Allele origin: germline. Affected: yes.
Comment: This variant is associated with the following publications: (PMID: 30209399)

Illumina Laboratory Services, Illumina
Classification: Uncertain significance for Breast-ovarian cancer, familial, susceptibility to, 1. Last evaluated: 2018-01-12. Review status: criteria provided, single submitter. Criteria: ICSL Variant Classification Criteria 13 December 2019. Collection method: clinical testing. Allele origin: germline.

Color Diagnostics, LLC DBA Color Health
Classification: Likely benign for Hereditary cancer-predisposing syndrome. Last evaluated: 2016-02-24. Review status: criteria provided, single submitter. Criteria: ACMG Guidelines, 2015. Collection method: clinical testing. Allele origin: germline.

Brotman Baty Institute, University of Washington
No classification provided (evidence only). Condition: Breast-ovarian cancer, familial 1. Review status: no classification provided. Collection method: in vitro. Allele origin: not applicable. Functional consequence: functionally_normal. Not counted in ClinVar's aggregate classification.
ClinVar note: "not provided" was previously submitted as the classification for the variant. However, the classification appeared to be based only on an observation of functional data so it was converted to no classification on 2025-07-30.

Literature cited by the submitters: PubMed 30209399 (cited by Women's Health and Genetics/Laboratory Corporation of America, LabCorp and Ambry Genetics).

NM_007294.4(BRCA1):c.5407-4C>G

Gene: BRCA1 (BRCA1 DNA repair associated; minus strand). Cytogenetic location: 17q21.31.
Variant type: single nucleotide variant.
Coding change: c.5407-4C>G on transcript NM_007294.4 (MANE Select); 4 bases into the intron before coding-DNA position 5407, C replaced by G.
Molecular consequence: intron variant.
Genome position (GRCh38, 1-based): chr17:43,047,707, G>C on the plus strand (C>G on the coding strand, the complement: BRCA1 is on the minus strand). VCF-style: chr17-43047707-G-C. GRCh37 (hg19) VCF-style: chr17-41199724-G-C.
Other names: c.1954-4C>G (NM_001408458.1, NM_001408461.1, NM_001408464.1 and 7 more transcripts); c.4516-4C>G (NM_001407967.1); c.5026-4C>G (NM_001407959.1); c.5140-4C>G (NM_001407931.1, NM_001407932.1, NM_001407928.1 and 4 more transcripts); c.5263-4C>G (NM_001407747.1, NM_001407745.1, NM_001407737.1 and 18 more transcripts); c.5023-4C>G (NM_001407962.1, NM_001407960.1); c.1594-4C>G (NM_001408512.1); c.1717-4C>G (NM_001408510.1); and 83 more.
Identifiers: ClinVar variation 233348 (VCV000233348.28), dbSNP rs876660347, ClinGen allele CA10580483.